The following is an entry in ClinVar:

NM_004456.5(EZH2):c.1070G>C (p.Gly357Ala)

Gene: EZH2 (enhancer of zeste 2 polycomb repressive complex 2 subunit; minus strand). Cytogenetic location: 7q36.1.
Variant type: single nucleotide variant.
Coding change: c.1070G>C on transcript NM_004456.5 (MANE Select); coding-DNA position 1070, G replaced by C.
Protein change: p.Gly357Ala; replaces glycine 357 with alanine.
Molecular consequence: missense variant.
Genome position (GRCh38, 1-based): chr7:148,818,047, C>G on the plus strand (G>C on the coding strand, the complement: EZH2 is on the minus strand). VCF-style: chr7-148818047-C-G. GRCh37 (hg19) VCF-style: chr7-148515139-C-G.
Other names: c.1055G>C, p.Gly352Ala (NM_001203247.2); c.1028G>C, p.Gly343Ala (NM_001203248.2, NM_001203249.2); c.938G>C, p.Gly313Ala (NM_152998.3); short protein forms G352A, G313A, G357A, G343A.
Identifiers: ClinVar variation 2098776 (VCV002098776.4), dbSNP rs2129471786, ClinGen allele CA369716832.
Genomic context (GRCh38, chr7:148,818,047, plus strand): 5'-ACATTAATGGTGGGGGTGCTGGGCCTGCTACTGTTATTGGGAAGCCGTCCTCTTCTGCGG[C>G]CTCCTGGACGTTTTGGTGGGGTCTTTATCCGCTCAGCGGTGAGAGCAGCAGCAAACTCCT-3'
Protein context (NP_004447.2, residues 347-367): RIKTPPKRPG[Gly357Ala]RRRGRLPNNS

ClinVar aggregate classification (germline): Uncertain significance (1 of 4 stars; one submission).

Conditions:
Weaver syndrome (WVS). Also called: Weaver Smith syndrome; Overgrowth syndrome with accelerated skeletal maturation, unusual facies, and camptodactyly. Identifiers: Orphanet 3447, MedGen C0265210, MONDO:0010193, OMIM 277590.

Allele frequency attached by ClinVar (database versions not stated): gnomAD exomes below 0.00001.
gnomAD v4.1: 1 of 1,614,062 alleles (0.000062%); highest among the groups gnomAD compares: Admixed American, 0.0017%; no homozygotes.

Submission:

Labcorp Genetics (formerly Invitae), Labcorp
Classification: Uncertain significance for Weaver syndrome. Last evaluated: 2022-02-18. Review status: criteria provided, single submitter. Criteria: Invitae Variant Classification Sherloc (09022015). Collection method: clinical testing. Allele origin: germline.
Comment: This sequence change replaces glycine, which is neutral and non-polar, with alanine, which is neutral and non-polar, at codon 357 of the EZH2 protein (p.Gly357Ala). This variant is not present in population databases (gnomAD no frequency). This variant has not been reported in the literature in individuals affected with EZH2-related conditions. Advanced modeling of protein sequence and biophysical properties (such as structural, functional, and spatial information, amino acid conservation, physicochemical variation, residue mobility, and thermodynamic stability) performed at Invitae indicates that this missense variant is not expected to disrupt EZH2 protein function. In summary, the available evidence is currently insufficient to determine the role of this variant in disease. Therefore, it has been classified as a Variant of Uncertain Significance.